The following is an entry in ClinVar:

ClinVar aggregate classification (germline): Pathogenic. Review status: criteria provided, multiple submitters, no conflicts (2 of 4 stars). 4 submissions from 4 submitters: Pathogenic (4). Last evaluated 2026-02-06.

Conditions:
Pheochromocytoma/paraganglioma syndrome 4. Also called: PARAGANGLIOMA, FAMILIAL MALIGNANT; PARAGANGLIOMAS, HEREDITARY EXTRAADRENAL; PHEOCHROMOCYTOMA, FAMILIAL EXTRAADRENAL; Paragangliomas 4; CAROTID BODY TUMORS AND MULTIPLE EXTRAADRENAL PHEOCHROMOCYTOMAS; SDHB-Related Hereditary Paraganglioma-Pheochromocytoma Syndrome (Paragangliomas 4). Identifiers: Orphanet 29072, MedGen C1861848, MONDO:0007273, OMIM 115310.
Gastrointestinal stromal tumor. Also called: Gastrointestinal stroma tumor; Gastrointestinal stromal tumor, somatic. Identifiers: Orphanet 44890, MedGen C0238198, MeSH D046152, MONDO:0011719, OMIM 606764, HP:0100723.
Pheochromocytoma. Also called: MAX-Related Hereditary Paraganglioma-Pheochromocytoma Syndrome. Identifiers: Orphanet 29072, MedGen C0031511, MONDO:0008233, OMIM 171300, HP:0002666.
Hereditary cancer-predisposing syndrome. Also called: Neoplastic Syndromes, Hereditary; Hereditary Cancer Syndrome; Hereditary neoplastic syndrome; Tumor predisposition. Identifiers: Orphanet 140162, MedGen C0027672, MeSH D009386, MONDO:0015356.

Submissions (4):

GeneDx
Classification: Pathogenic. Last evaluated: 2026-02-06. Review status: criteria provided, single submitter. Criteria: GeneDx Variant Classification Process June 2021. Collection method: clinical testing. Allele origin: germline. Affected: yes.
Comment: Identified in patients with SDHB-related cancers (PMID: 16405730, 18419787, 31492822); Nonsense variant predicted to result in protein truncation or nonsense mediated decay in a gene for which loss of function is a known mechanism of disease; Not observed at significant frequency in large population cohorts (gnomAD); Also known as W19X; This variant is associated with the following publications: (PMID: 19184535, 21348866, 19208735, 19802898, 28973655, 21686655, 30694796, 31579262, 28748451, 16405730, 18419787, 31492822, 34703596, 29386252, 34452955)

Myriad Genetics, Inc.
Classification: Pathogenic for Pheochromocytoma/paraganglioma syndrome 4. Last evaluated: 2024-11-01. Review status: criteria provided, single submitter. Criteria: Myriad Autosomal Dominant, Autosomal Recessive and X-Linked Classification Criteria (2023). Collection method: clinical testing. Allele origin: unknown.
Comment: This variant is considered pathogenic. This variant creates a termination codon and is predicted to result in premature protein truncation.

Labcorp Genetics (formerly Invitae), Labcorp
Classification: Pathogenic for Gastrointestinal stromal tumor; Pheochromocytoma/paraganglioma syndrome 4; Pheochromocytoma. Last evaluated: 2023-06-14. Review status: criteria provided, single submitter. Criteria: Invitae Variant Classification Sherloc (09022015). Collection method: clinical testing. Allele origin: germline.
Comment: This sequence change creates a premature translational stop signal (p.Trp47*) in the SDHB gene. It is expected to result in an absent or disrupted protein product. Loss-of-function variants in SDHB are known to be pathogenic (PMID: 19454582, 19802898). This variant is not present in population databases (gnomAD no frequency). This premature translational stop signal has been observed in individual(s) with paraganglioma, pheochromocytoma, and renal cell carcinoma (PMID: 16405730, 18419787, 21348866, 29386252). ClinVar contains an entry for this variant (Variation ID: 412474). For these reasons, this variant has been classified as Pathogenic.

Ambry Genetics
Classification: Pathogenic for Hereditary cancer-predisposing syndrome. Last evaluated: 2021-09-04. Review status: criteria provided, single submitter. Criteria: Ambry Variant Classification Scheme 2023. Collection method: clinical testing. Allele origin: germline.
Comment: The p.W47* pathogenic mutation (also known as c.141G>A), located in coding exon 2 of the SDHB gene, results from a G to A substitution at nucleotide position 141. This changes the amino acid from a tryptophan to a stop codon within coding exon 2. This alteration has been identified in multiple individuals with a personal and/or family history of paragangliomas or pheochromocytomas (Bayley JP et al. BMC Med Genet, 2006 Jan;7:1; Srirangalingam U et al. Endocr Relat Cancer, 2009 Jun;16:515-25; Tuthill M et al. BMJ Case Rep, 2009 Feb;2009:; Hensen EF et al. Clin Genet, 2012 Mar;81:284-8; Andrews KA et al. J Med Genet, 2018 06;55:384-394). This variant is considered to be rare based on population cohorts in the Genome Aggregation Database (gnomAD). In addition to the clinical data presented in the literature, this alteration is expected to result in loss of function by premature protein truncation or nonsense-mediated mRNA decay. As such, this alteration is interpreted as a disease-causing mutation.

Literature cited by the submitters: PubMed 19454582 (cited by Labcorp Genetics (formerly Invitae), Labcorp); PubMed 19802898 (cited by Labcorp Genetics (formerly Invitae), Labcorp); PubMed 16405730 (cited by Labcorp Genetics (formerly Invitae), Labcorp and Ambry Genetics); PubMed 18419787 (cited by Labcorp Genetics (formerly Invitae), Labcorp); PubMed 21348866 (cited by Labcorp Genetics (formerly Invitae), Labcorp and Ambry Genetics); PubMed 29386252 (cited by Labcorp Genetics (formerly Invitae), Labcorp and Ambry Genetics); PubMed 19208735 (cited by Ambry Genetics); PubMed 21686655 (cited by Ambry Genetics).

NM_003000.3(SDHB):c.141G>A (p.Trp47Ter)

Gene: SDHB (succinate dehydrogenase complex iron sulfur subunit B; minus strand). Cytogenetic location: 1p36.13.
Variant type: single nucleotide variant.
Coding change: c.141G>A on transcript NM_003000.3 (MANE Select); coding-DNA position 141, G replaced by A.
Protein change: p.Trp47Ter; replaces tryptophan 47 with a stop codon.
Molecular consequence: nonsense.
Genome position (GRCh38, 1-based): chr1:17,044,820, C>T on the plus strand (G>A on the coding strand, the complement: SDHB is on the minus strand). VCF-style: chr1-17044820-C-T. GRCh37 (hg19) VCF-style: chr1-17371315-C-T.
Other names: short protein forms W47*.
Identifiers: ClinVar variation 412474 (VCV000412474.14), dbSNP rs1060503762, ClinGen allele CA16609948.